The following is an entry in ClinVar:

NM_004519.4(KCNQ3):c.1700+5G>A

Gene: KCNQ3 (potassium voltage-gated channel subfamily Q member 3; minus strand). Cytogenetic location: 8q24.22.
Variant type: single nucleotide variant.
Coding change: c.1700+5G>A on transcript NM_004519.4 (MANE Select); 5 bases into the intron after coding-DNA position 1700, G replaced by A.
Molecular consequence: intron variant.
Genome position (GRCh38, 1-based): chr8:132,137,880, C>T on the plus strand (G>A on the coding strand, the complement: KCNQ3 is on the minus strand). VCF-style: chr8-132137880-C-T. GRCh37 (hg19) VCF-style: chr8-133150127-C-T.
Other names: c.1340+5G>A (NM_001204824.2).
Identifiers: ClinVar variation 4721284 (VCV004721284.1).
Genomic context (GRCh38, chr8:132,137,880, plus strand): 5'-CCTTAAACTCTAAGGTTCATAGGGCTTTGAGGGGAGCGCAGTCCCTCCAGATGTGACTGT[C>T]TCACCTCGTCTGAAGGTACTTTATCCTGGAAAGCATGTCGAGATGCCCGGCAGAATACTG-3'

ClinVar aggregate classification (germline): Uncertain significance (1 of 4 stars; one submission).

Conditions:
Benign neonatal seizures. Also called: Benign familial neonatal seizures; Convulsions benign familial neonatal dominant form; Autosomal dominant form of benign neonatal seizures; Benign neonatal familial convulsions; Benign familial neonatal epilepsy. Identifiers: Orphanet 1949, MedGen C0220669, MONDO:0016027.

Submission:

Labcorp Genetics (formerly Invitae), Labcorp
Classification: Uncertain significance for Benign neonatal seizures. Last evaluated: 2025-09-16. Review status: criteria provided, single submitter. Criteria: Invitae Variant Classification Sherloc (09022015). Collection method: clinical testing. Allele origin: germline.
Comment: This sequence change falls in intron 12 of the KCNQ3 gene. It does not directly change the encoded amino acid sequence of the KCNQ3 protein. It affects a nucleotide within the consensus splice site. This variant is not present in population databases (gnomAD no frequency). This variant has not been reported in the literature in individuals affected with KCNQ3-related conditions. Variants that disrupt the consensus splice site are a relatively common cause of aberrant splicing (PMID: 17576681, 9536098). Algorithms developed to predict the effect of sequence changes on RNA splicing suggest that this variant may disrupt the consensus splice site. In summary, the available evidence is currently insufficient to determine the role of this variant in disease. Therefore, it has been classified as a Variant of Uncertain Significance.

Literature cited by the submitters: PubMed 17576681; PubMed 9536098.